The following is an entry in ClinVar:

NM_025114.4(CEP290):c.1263_1265del (p.Glu422del)

Gene: CEP290 (centrosomal protein 290; minus strand). Cytogenetic location: 12q21.32.
Variant type: Deletion.
Coding change: c.1263_1265del on transcript NM_025114.4 (MANE Select); coding-DNA positions 1263 to 1265, 3 bases deleted (AGA; older notation c.1263_1265delAGA).
Protein change: p.Glu422del; deletes glutamic acid 422.
Molecular consequence: inframe deletion.
Genome position (GRCh38, 1-based): chr12:88,121,091-88,121,093, TCT deleted on the plus strand (AGA on the coding strand, the reverse complement: CEP290 is on the minus strand); deleting any 3 consecutive bases within chr12:88,121,091-88,121,094 gives the same sequence; the c. name uses the placement nearest the transcript's 3' end. VCF-style (leftmost placement, unchanged base first): chr12-88121090-CTCT-C. GRCh37 (hg19) VCF-style: chr12-88514867-CTCT-C.
Other names: short protein forms E422del.
Identifiers: ClinVar variation 4987540 (VCV004987540.1).

ClinVar aggregate classification (germline): Uncertain significance (1 of 4 stars; one submission).

Conditions:
CEP290-related disorder. Also called: CEP290-related disorders; CEP290-related condition. Identifiers: MedGen CN239314.

Submission:

PreventionGenetics, part of Exact Sciences
Classification: Uncertain significance for CEP290-related condition. Last evaluated: 2025-11-14. Review status: criteria provided, single submitter. Criteria: ACMG Guidelines, 2015. Collection method: clinical testing. Allele origin: germline.
Comment: The CEP290 c.1263_1265delAGA variant is predicted to result in an in-frame deletion (p.Glu422del). To our knowledge, this variant has not been reported in the literature or in a large population database (gnomAD), indicating this variant is rare. At this time, the clinical significance of this variant is uncertain due to the absence of conclusive functional and genetic evidence.